The following is an entry in ClinVar:

ClinVar aggregate classification (germline): Likely benign (1 of 4 stars; one submission).

Allele frequency attached by ClinVar (database versions not stated): gnomAD 0.00023; TOPMed 0.00036; 1000 Genomes Project 0.00040; 1000 Genomes Project 30x 0.00062.
gnomAD v4.1: 36 of 152,352 alleles (0.024%); highest among the groups gnomAD compares: East Asian, 0.62%; no homozygotes.

Submission:

CeGaT Center for Human Genetics Tuebingen
Classification: Likely benign. Last evaluated: 2023-09-01. Review status: criteria provided, single submitter. Criteria: CeGaT Center For Human Genetics Tuebingen Variant Classification Criteria Version 2. Collection method: clinical testing. Allele origin: germline. Affected: yes. Observed: 1 variant allele.
Comment: ZBTB16: BP4, BP7

NM_006006.6(ZBTB16):c.1269-3228A>G

Gene: ZBTB16 (zinc finger and BTB domain containing 16; plus strand). Cytogenetic location: 11q23.2.
Variant type: single nucleotide variant.
Coding change: c.1269-3228A>G on transcript NM_006006.6 (MANE Select); 3228 bases into the intron before coding-DNA position 1269, A replaced by G.
Molecular consequence: intron variant.
Genome position (GRCh38, 1-based): chr11:114,153,109, A>G. VCF-style: chr11-114153109-A-G. GRCh37 (hg19) VCF-style: chr11-114023831-A-G.
Other names: c.1269-3228A>G (NM_001354750.2, NM_001354751.2, NM_001018011.3 and 1 more transcripts).
Identifiers: ClinVar variation 2642387 (VCV002642387.24), dbSNP rs371197458, ClinGen allele CA229241332.